The following is an entry in ClinVar:

NM_001164508.2(NEB):c.19101+1G>A

Gene: NEB (nebulin; minus strand). Cytogenetic location: 2q23.3.
Variant type: single nucleotide variant.
Coding change: c.19101+1G>A on transcript NM_001164508.2 (MANE Select); the canonical splice donor site of the intron after coding-DNA position 19101, G replaced by A.
Molecular consequence: splice donor variant.
Genome position (GRCh38, 1-based): chr2:151,561,207, C>T on the plus strand (G>A on the coding strand, the complement: NEB is on the minus strand). VCF-style: chr2-151561207-C-T. GRCh37 (hg19) VCF-style: chr2-152417721-C-T.
Other names: c.13998+1G>A (NM_004543.5); c.19101+1G>A (NM_001164507.2, NM_001271208.2).
Identifiers: ClinVar variation 2010427 (VCV002010427.4), dbSNP rs2552189448, ClinGen allele CA348795225.

ClinVar aggregate classification (germline): Likely pathogenic (1 of 4 stars; one submission).

Conditions:
Nemaline myopathy 2 (NEM2). Also called: Nemaline myopathy 2, autosomal recessive. Identifiers: MedGen C1850569, MONDO:0009725, OMIM 256030.

Submission:

Labcorp Genetics (formerly Invitae), Labcorp
Classification: Likely pathogenic for Nemaline myopathy 2. Last evaluated: 2022-06-24. Review status: criteria provided, single submitter. Criteria: Invitae Variant Classification Sherloc (09022015). Collection method: clinical testing. Allele origin: germline.
Comment: This sequence change affects a donor splice site in intron 122 of the NEB gene. It is expected to disrupt RNA splicing. Variants that disrupt the donor or acceptor splice site typically lead to a loss of protein function (PMID: 16199547), and loss-of-function variants in NEB are known to be pathogenic (PMID: 25205138). This variant is not present in population databases (gnomAD no frequency). In summary, the currently available evidence indicates that the variant is pathogenic, but additional data are needed to prove that conclusively. Therefore, this variant has been classified as Likely Pathogenic. Algorithms developed to predict the effect of sequence changes on RNA splicing suggest that this variant may disrupt the consensus splice site. This variant has not been reported in the literature in individuals affected with NEB-related conditions.

Literature cited by the submitters: PubMed 16199547; PubMed 25205138.